The following is an entry in ClinVar:

NM_001164508.2(NEB):c.11312G>T (p.Arg3771Leu)

Gene: NEB (nebulin; minus strand). Cytogenetic location: 2q23.3.
Variant type: single nucleotide variant.
Coding change: c.11312G>T on transcript NM_001164508.2 (MANE Select); coding-DNA position 11312, G replaced by T.
Protein change: p.Arg3771Leu; replaces arginine 3771 with leucine.
Molecular consequence: missense variant.
Genome position (GRCh38, 1-based): chr2:151,614,565, C>A on the plus strand (G>T on the coding strand, the complement: NEB is on the minus strand). VCF-style: chr2-151614565-C-A. GRCh37 (hg19) VCF-style: chr2-152471079-C-A.
Other names: c.11312G>T, p.Arg3771Leu (NM_001164507.2, NM_001271208.2); c.10583G>T, p.Arg3528Leu (NM_004543.5); c.10583G>T (NM_004543.4); short protein forms R3528L, R3771L.
Identifiers: ClinVar variation 649613 (VCV000649613.11), dbSNP rs374486286, ClinGen allele CA1908775.
Genomic context (GRCh38, chr2:151,614,565, plus strand): 5'-CACATCATCTTCGGGTCATCCTTAATGTTCCGGGCCCCAATATGGTGGCCAAGCTGTTTG[C>A]GGTAGCCTTCCTTGTACTTGTACTAAAAAAATAGAGATATGAGTATAATGACAAGAACAT-3'
Protein context (NP_001157980.2, residues 3761-3781): ASDYKYKEGY[Arg3771Leu]KQLGHHIGAR

ClinVar aggregate classification (germline): Uncertain significance. Review status: criteria provided, multiple submitters, no conflicts (2 of 4 stars). 5 submissions from 5 submitters: Uncertain significance (4). 1 of the submissions does not count toward it. Last evaluated 2024-12-05.

Conditions:
Nemaline myopathy 2 (NEM2). Also called: Nemaline myopathy 2, autosomal recessive. Identifiers: MedGen C1850569, MONDO:0009725, OMIM 256030.
Arthrogryposis multiplex congenita 6. Identifiers: MedGen C5543431, MONDO:0030281, OMIM 619334.
Inborn genetic diseases. Identifiers: MedGen C0950123, MeSH D030342.

Allele frequency attached by ClinVar (database versions not stated): TOPMed 0.00004; ESP Exome Variant Server 0.00008.
gnomAD v4.1: 7 of 1,613,402 alleles (0.00043%); highest among the groups gnomAD compares: African/African-American, 0.0093%; no homozygotes.

Submissions (5):

Labcorp Genetics (formerly Invitae), Labcorp
Classification: Uncertain significance for Nemaline myopathy 2. Last evaluated: 2024-12-05. Review status: criteria provided, single submitter. Criteria: Invitae Variant Classification Sherloc (09022015). Collection method: clinical testing. Allele origin: germline.
Comment: This sequence change replaces arginine, which is basic and polar, with leucine, which is neutral and non-polar, at codon 3771 of the NEB protein (p.Arg3771Leu). This variant is present in population databases (rs374486286, gnomAD 0.02%). This variant has not been reported in the literature in individuals affected with NEB-related conditions. ClinVar contains an entry for this variant (Variation ID: 649613). Experimental studies and prediction algorithms are not available or were not evaluated, and the functional significance of this variant is currently unknown. In summary, the available evidence is currently insufficient to determine the role of this variant in disease. Therefore, it has been classified as a Variant of Uncertain Significance.

Revvity Omics, Revvity
Classification: Uncertain significance. Last evaluated: 2024-05-13. Review status: criteria provided, single submitter. Criteria: ACMG Guidelines, 2015. Collection method: clinical testing. Allele origin: germline.

Fulgent Genetics
Classification: Uncertain significance for Nemaline myopathy 2; Arthrogryposis multiplex congenita 6. Last evaluated: 2024-03-21. Review status: criteria provided, single submitter. Criteria: ACMG Guidelines, 2015. Collection method: clinical testing. Allele origin: germline.

Ambry Genetics
Classification: Uncertain significance for Inborn genetic diseases. Last evaluated: 2024-02-27. Review status: criteria provided, single submitter. Criteria: Ambry Variant Classification Scheme 2023. Collection method: clinical testing. Allele origin: germline.

Natera, Inc.
Classification: Uncertain significance for Nemaline myopathy type 2. Last evaluated: 2020-02-21. Review status: no assertion criteria provided. Collection method: clinical testing. Allele origin: germline. Not counted in ClinVar's aggregate classification.